The following is an entry in ClinVar:

NM_004055.5(CAPN5):c.1399C>T (p.Arg467Cys)

Gene: CAPN5 (calpain 5; plus strand). Cytogenetic location: 11q13.5.
Variant type: single nucleotide variant.
Coding change: c.1399C>T on transcript NM_004055.5 (MANE Select); coding-DNA position 1399, C replaced by T.
Protein change: p.Arg467Cys; replaces arginine 467 with cysteine.
Molecular consequence: missense variant.
Genome position (GRCh38, 1-based): chr11:77,120,821, C>T. VCF-style: chr11-77120821-C-T. GRCh37 (hg19) VCF-style: chr11-76831867-C-T.
Other names: short protein forms R467C.
Identifiers: ClinVar variation 424989 (VCV000424989.47), dbSNP rs1064797159, ClinGen allele CA16621624.

ClinVar aggregate classification (germline): Uncertain significance. Review status: criteria provided, multiple submitters, no conflicts (2 of 4 stars). 2 submissions from 2 submitters: Uncertain significance (2). Last evaluated 2022-11-01.

Allele frequency attached by ClinVar (database versions not stated): gnomAD exomes below 0.00001 and 0.00001; gnomAD 0.00001; TOPMed 0.00001.
gnomAD v4.1: 19 of 1,614,086 alleles (0.0012%); highest among the groups gnomAD compares: East Asian, 0.0022%; no homozygotes.

Submissions (2):

Labcorp Genetics (formerly Invitae), Labcorp
Classification: Uncertain significance. Last evaluated: 2022-11-01. Review status: criteria provided, single submitter. Criteria: Invitae Variant Classification Sherloc (09022015). Collection method: clinical testing. Allele origin: germline.
Comment: This sequence change replaces arginine, which is basic and polar, with cysteine, which is neutral and slightly polar, at codon 467 of the CAPN5 protein (p.Arg467Cys). This variant is present in population databases (no rsID available, gnomAD 0.0009%). In summary, the available evidence is currently insufficient to determine the role of this variant in disease. Therefore, it has been classified as a Variant of Uncertain Significance. Advanced modeling of protein sequence and biophysical properties (such as structural, functional, and spatial information, amino acid conservation, physicochemical variation, residue mobility, and thermodynamic stability) has been performed at Invitae for this missense variant, however the output from this modeling did not meet the statistical confidence thresholds required to predict the impact of this variant on CAPN5 protein function. ClinVar contains an entry for this variant (Variation ID: 424989). This variant has not been reported in the literature in individuals affected with CAPN5-related conditions.

CeGaT Center for Human Genetics Tuebingen
Classification: Uncertain significance. Last evaluated: 2018-01-01. Review status: criteria provided, single submitter. Criteria: CeGaT Center For Human Genetics Tuebingen Variant Classification Criteria Version 2. Collection method: clinical testing. Allele origin: germline. Affected: yes. Observed: 1 variant allele.